The following is an entry in ClinVar:

NM_006734.4(HIVEP2):c.1253C>T (p.Ala418Val)

Gene: HIVEP2 (HIVEP zinc finger 2; minus strand). Cytogenetic location: 6q24.2.
Variant type: single nucleotide variant.
Coding change: c.1253C>T on transcript NM_006734.4 (MANE Select); coding-DNA position 1253, C replaced by T.
Protein change: p.Ala418Val; replaces alanine 418 with valine.
Molecular consequence: missense variant.
Genome position (GRCh38, 1-based): chr6:142,773,486, G>A on the plus strand (C>T on the coding strand, the complement: HIVEP2 is on the minus strand). VCF-style: chr6-142773486-G-A. GRCh37 (hg19) VCF-style: chr6-143094623-G-A.
Other names: short protein forms A418V.
Identifiers: ClinVar variation 2867586 (VCV002867586.3), dbSNP rs751869466, ClinGen allele CA149019742.

ClinVar aggregate classification (germline): Uncertain significance (1 of 4 stars; one submission).

Allele frequency attached by ClinVar (database versions not stated): gnomAD 0.00001; TOPMed 0.00003.
gnomAD v4.1: 56 of 1,614,100 alleles (0.0035%); highest among the groups gnomAD compares: Non-Finnish European, 0.0047%; no homozygotes.

Submission:

Labcorp Genetics (formerly Invitae), Labcorp
Classification: Uncertain significance. Last evaluated: 2023-06-23. Review status: criteria provided, single submitter. Criteria: Invitae Variant Classification Sherloc (09022015). Collection method: clinical testing. Allele origin: germline.
Comment: In summary, the available evidence is currently insufficient to determine the role of this variant in disease. Therefore, it has been classified as a Variant of Uncertain Significance. Advanced modeling of protein sequence and biophysical properties (such as structural, functional, and spatial information, amino acid conservation, physicochemical variation, residue mobility, and thermodynamic stability) performed at Invitae indicates that this missense variant is not expected to disrupt HIVEP2 protein function. This variant has not been reported in the literature in individuals affected with HIVEP2-related conditions. This variant is present in population databases (rs751869466, gnomAD 0.002%). This sequence change replaces alanine, which is neutral and non-polar, with valine, which is neutral and non-polar, at codon 418 of the HIVEP2 protein (p.Ala418Val).